The following is an entry in ClinVar:

ClinVar aggregate classification (germline): Pathogenic (1 of 4 stars; one submission).

Submission:

Labcorp Genetics (formerly Invitae), Labcorp
Classification: Pathogenic. Last evaluated: 2022-07-18. Review status: criteria provided, single submitter. Criteria: Invitae Variant Classification Sherloc (09022015). Collection method: clinical testing. Allele origin: germline.
Comment: This sequence change affects the initiator methionine of the PHEX mRNA. The next in-frame methionine is located at codon 98. For these reasons, this variant has been classified as Pathogenic. Disruption of the initiator codon has been observed in individual(s) with X-linked hypophosphatemia (PMID: 30682568; Invitae). In at least one individual the variant was observed to be de novo. This variant is not present in population databases (gnomAD no frequency).

Literature cited by the submitters: PubMed 30682568.

NM_000444.6(PHEX):c.1A>T (p.Met1Leu)

Gene: PHEX (phosphate regulating endopeptidase X-linked; plus strand). Cytogenetic location: Xp22.11.
Variant type: single nucleotide variant.
Coding change: c.1A>T on transcript NM_000444.6 (MANE Select); coding-DNA position 1, A replaced by T.
Protein change: p.Met1Leu; changes the start codon (methionine 1).
Molecular consequence: missense variant, initiator codon variant.
Genome position (GRCh38, 1-based): chrX:22,033,006, A>T. VCF-style: chrX-22033006-A-T. GRCh37 (hg19) VCF-style: chrX-22051124-A-T.
Other names: c.1A>T, p.Met1Leu (NM_001282754.2); short protein forms M1L.
Identifiers: ClinVar variation 2012752 (VCV002012752.5), dbSNP rs2519707917, ClinGen allele CA412563639.